The following is an entry in ClinVar:

ClinVar aggregate classification (germline): Likely pathogenic (1 of 4 stars; one submission).

Conditions:
Auditory neuropathy-optic atrophy syndrome. Also called: MULTIPLE MITOCHONDRIAL DYSFUNCTIONS SYNDROME 9A; AUDITORY NEUROPATHY AND OPTIC ATROPHY. Identifiers: Orphanet 542585, MedGen C4521678, MONDO:0060582, OMIM 617717.

Submission:

3billion
Classification: Likely pathogenic for Auditory neuropathy-optic atrophy syndrome. Last evaluated: 2024-10-18. Review status: criteria provided, single submitter. Criteria: ACMG Guidelines, 2015. Collection method: clinical testing. Allele origin: germline. Affected: yes.
Comment: The variant is observed at an extremely low frequency in the gnomAD v4.1.0 dataset (total allele frequency: <0.001%). Predicted Consequence/Location: Canonical splice site: predicted to alter splicing and result in a loss or disruption of normal protein function. Therefore, this variant is classified as Likely pathogenic according to the recommendation of ACMG/AMP guideline.

NM_024417.5(FDXR):c.508-1G>A

Gene: FDXR (ferredoxin reductase; minus strand). Cytogenetic location: 17q25.1.
Variant type: single nucleotide variant.
Coding change: c.508-1G>A on transcript NM_024417.5 (MANE Select); the canonical splice acceptor site of the intron before coding-DNA position 508, G replaced by A.
Molecular consequence: splice acceptor variant.
Genome position (GRCh38, 1-based): chr17:74,865,821, C>T on the plus strand (G>A on the coding strand, the complement: FDXR is on the minus strand). VCF-style: chr17-74865821-C-T. GRCh37 (hg19) VCF-style: chr17-72861943-C-T.
Other names: c.484-1G>A (NM_001258014.4); c.508-1G>A (NM_004110.6); c.388-1G>A (NM_001258015.3); c.637-1G>A (NM_001258012.4); c.601-1G>A (NM_001258013.4); c.352-1G>A (NM_001258016.3).
Identifiers: ClinVar variation 4292118 (VCV004292118.1).